The following is an entry in ClinVar:

NM_000428.3(LTBP2):c.3610G>A (p.Ala1204Thr)

Gene: LTBP2 (latent transforming growth factor beta binding protein 2; minus strand). Cytogenetic location: 14q24.3.
Variant type: single nucleotide variant.
Coding change: c.3610G>A on transcript NM_000428.3 (MANE Select); coding-DNA position 3610, G replaced by A.
Protein change: p.Ala1204Thr; replaces alanine 1204 with threonine.
Molecular consequence: missense variant.
Genome position (GRCh38, 1-based): chr14:74,508,646, C>T on the plus strand (G>A on the coding strand, the complement: LTBP2 is on the minus strand). VCF-style: chr14-74508646-C-T. GRCh37 (hg19) VCF-style: chr14-74975349-C-T.
Other names: c.3610G>A (NM_000428.2); short protein forms A1204T.
Identifiers: ClinVar variation 1409135 (VCV001409135.8), dbSNP rs574833922, ClinGen allele CA7269107.

ClinVar aggregate classification (germline): Uncertain significance. Review status: criteria provided, multiple submitters, no conflicts (2 of 4 stars). 2 submissions from 2 submitters: Uncertain significance (2). Last evaluated 2024-09-18.

Conditions:
Inborn genetic diseases. Identifiers: MedGen C0950123, MeSH D030342.

Allele frequency attached by ClinVar (database versions not stated): gnomAD 0.00001; gnomAD exomes 0.00002; ExAC 0.00003; TOPMed 0.00003; 1000 Genomes Project 0.00020; 1000 Genomes Project 30x 0.00031.
gnomAD v4.1: 15 of 1,612,620 alleles (0.00093%); highest among the groups gnomAD compares: East Asian, 0.0067%; no homozygotes.

Submissions (2):

Ambry Genetics
Classification: Uncertain significance for Inborn genetic diseases. Last evaluated: 2024-09-18. Review status: criteria provided, single submitter. Criteria: Ambry Variant Classification Scheme 2023. Collection method: clinical testing. Allele origin: germline.

Labcorp Genetics (formerly Invitae), Labcorp
Classification: Uncertain significance. Last evaluated: 2021-04-06. Review status: criteria provided, single submitter. Criteria: Invitae Variant Classification Sherloc (09022015). Collection method: clinical testing. Allele origin: germline.
Comment: This sequence change replaces alanine with threonine at codon 1204 of the LTBP2 protein (p.Ala1204Thr). The alanine residue is highly conserved and there is a small physicochemical difference between alanine and threonine. This variant is present in population databases (rs574833922, ExAC 0.01%). This variant has not been reported in the literature in individuals with LTBP2-related conditions. Algorithms developed to predict the effect of missense changes on protein structure and function (SIFT, PolyPhen-2, Align-GVGD) all suggest that this variant is likely to be disruptive, but these predictions have not been confirmed by published functional studies and their clinical significance is uncertain. In summary, the available evidence is currently insufficient to determine the role of this variant in disease. Therefore, it has been classified as a Variant of Uncertain Significance.